The following is an entry in ClinVar:

ClinVar aggregate classification (germline): Pathogenic (1 of 4 stars; one submission).

Submission:

Labcorp Genetics (formerly Invitae), Labcorp
Classification: Pathogenic. Last evaluated: 2024-01-09. Review status: criteria provided, single submitter. Criteria: Invitae Variant Classification Sherloc (09022015). Collection method: clinical testing. Allele origin: germline.
Comment: This sequence change creates a premature translational stop signal (p.Glu309Asnfs*19) in the COL9A1 gene. It is expected to result in an absent or disrupted protein product. Loss-of-function variants in COL9A1 are known to be pathogenic (PMID: 16909383, 21421862). This variant is not present in population databases (gnomAD no frequency). This variant has not been reported in the literature in individuals affected with COL9A1-related conditions. For these reasons, this variant has been classified as Pathogenic.

Literature cited by the submitters: PubMed 16909383; PubMed 21421862.

NM_001851.6(COL9A1):c.924del (p.Glu309fs)

Gene: COL9A1 (collagen type IX alpha 1 chain; minus strand). Cytogenetic location: 6q13.
Variant type: Deletion.
Coding change: c.924del on transcript NM_001851.6 (MANE Select); coding-DNA position 924, one base deleted (T; older notation c.924delT).
Protein change: p.Glu309fs; shifts the reading frame from glutamic acid 309.
Molecular consequence: frameshift variant. On other transcripts: non-coding transcript variant (1).
Genome position (GRCh38, 1-based): chr6:70,280,863, A deleted on the plus strand (T on the coding strand, the reverse complement: COL9A1 is on the minus strand). VCF-style (leftmost placement, unchanged base first): chr6-70280862-CA-C. GRCh37 (hg19) VCF-style: chr6-70990565-CA-C.
Other names: c.195del, p.Glu66fs (NM_001377289.1, NM_001377290.1, NM_078485.4); c.924del, p.Glu309fs (NM_001377291.1); short protein forms E309fs, E66fs.
Identifiers: ClinVar variation 2979910 (VCV002979910.3), dbSNP rs1331918224, ClinGen allele CA827643653.